The following is an entry in ClinVar:

ClinVar aggregate classification (germline): Uncertain significance. Review status: criteria provided, multiple submitters, no conflicts (2 of 4 stars). 2 submissions from 2 submitters: Uncertain significance (2). Last evaluated 2022-02-12.

Conditions:
DNA ligase IV deficiency. Identifiers: Orphanet 99812, MedGen C1847827, MONDO:0011686, OMIM 606593.

Submissions (2):

Labcorp Genetics (formerly Invitae), Labcorp
Classification: Uncertain significance for DNA ligase IV deficiency. Last evaluated: 2022-02-12. Review status: criteria provided, single submitter. Criteria: Invitae Variant Classification Sherloc (09022015). Collection method: clinical testing. Allele origin: germline.
Comment: This variant, c.2639_2641del, results in the deletion of 1 amino acid(s) of the LIG4 protein (p.Arg880del), but otherwise preserves the integrity of the reading frame. This variant is present in population databases (rs753650304, gnomAD 0.003%). This variant has not been reported in the literature in individuals affected with LIG4-related conditions. ClinVar contains an entry for this variant (Variation ID: 640393). Experimental studies and prediction algorithms are not available or were not evaluated, and the functional significance of this variant is currently unknown. In summary, the available evidence is currently insufficient to determine the role of this variant in disease. Therefore, it has been classified as a Variant of Uncertain Significance.

Blueprint Genetics
Classification: Uncertain significance. Last evaluated: 2021-05-24. Review status: criteria provided, single submitter. Criteria: ACMG Guidelines, 2015. Collection method: clinical testing. Allele origin: germline.

NM_206937.2(LIG4):c.2636GAA[1] (p.Arg880del)

Gene: LIG4 (DNA ligase 4; minus strand). Cytogenetic location: 13q33.3.
Variant type: Microsatellite.
Coding change: c.2636GAA[1] on transcript NM_206937.2 (MANE Select); one copy of the 3-base unit GAA starting at c.2636; the reference has two copies in a row; one copy, 3 bases deleted.
Protein change: p.Arg880del; deletes arginine 880.
Molecular consequence: inframe deletion.
Genome position (GRCh38, 1-based): chr13:108,208,628-108,208,630, TTC deleted on the plus strand (GAA on the coding strand, the reverse complement: LIG4 is on the minus strand); deleting any 3 consecutive bases within chr13:108,208,628-108,208,634 gives the same sequence; the position shown is the placement nearest the transcript's 3' end. VCF-style (leftmost placement, unchanged base first): chr13-108208627-GTTC-G. GRCh37 (hg19) VCF-style: chr13-108860975-GTTC-G.
Other names: c.2636GAA[1], p.Arg880del (NM_001098268.2, NM_001352598.2, NM_001352599.2 and 6 more transcripts); c.2435GAA[1], p.Arg813del (NM_001330595.2); c.2672GAA[1], p.Arg892del (NM_001352604.2); c.2639_2641del (NM_002312.3); short protein forms R880del, R892del, R813del.
Identifiers: ClinVar variation 640393 (VCV000640393.7), dbSNP rs753650304, ClinGen allele CA7043454.